The following is an entry in ClinVar:

ClinVar aggregate classification (germline): Uncertain significance (1 of 4 stars; one submission).

Submission:

Labcorp Genetics (formerly Invitae), Labcorp
Classification: Uncertain significance. Last evaluated: 2022-02-16. Review status: criteria provided, single submitter. Criteria: Invitae Variant Classification Sherloc (09022015). Collection method: clinical testing. Allele origin: germline.
Comment: Algorithms developed to predict the effect of missense changes on protein structure and function are either unavailable or do not agree on the potential impact of this missense change (SIFT: "Not Available"; PolyPhen-2: "Probably Damaging"; Align-GVGD: "Not Available"). In summary, the available evidence is currently insufficient to determine the role of this variant in disease. Therefore, it has been classified as a Variant of Uncertain Significance. This variant has not been reported in the literature in individuals affected with KCNK4-related conditions. This sequence change replaces phenylalanine, which is neutral and non-polar, with isoleucine, which is neutral and non-polar, at codon 237 of the KCNK4 protein (p.Phe237Ile). This variant is not present in population databases (gnomAD no frequency).

NM_033310.3(KCNK4):c.709T>A (p.Phe237Ile)

Genes: KCNK4 (potassium two pore domain channel subfamily K member 4; plus strand), KCNK4-CATSPERZ (KCNK4-CATSPERZ readthrough (NMD candidate); plus strand). Cytogenetic location: 11q13.1.
Variant type: single nucleotide variant.
Coding change: c.709T>A on transcript NM_033310.3 (MANE Select); coding-DNA position 709, T replaced by A.
Protein change: p.Phe237Ile; replaces phenylalanine 237 with isoleucine.
Molecular consequence: missense variant. On other transcripts: non-coding transcript variant (3).
Genome position (GRCh38, 1-based): chr11:64,298,157, T>A. VCF-style: chr11-64298157-T-A. GRCh37 (hg19) VCF-style: chr11-64065629-T-A.
Other names: c.709T>A, p.Phe237Ile (NM_001317090.2); short protein forms F237I.
Identifiers: ClinVar variation 1481630 (VCV001481630.8), dbSNP rs2135233714, ClinGen allele CA381066151.